The following is an entry in ClinVar:

NM_001046.3(SLC12A2):c.1450G>A (p.Glu484Lys)

Gene: SLC12A2 (solute carrier family 12 member 2; plus strand). Cytogenetic location: 5q23.3.
Variant type: single nucleotide variant.
Coding change: c.1450G>A on transcript NM_001046.3 (MANE Select); coding-DNA position 1450, G replaced by A.
Protein change: p.Glu484Lys; replaces glutamic acid 484 with lysine.
Molecular consequence: missense variant. On other transcripts: non-coding transcript variant (1).
Genome position (GRCh38, 1-based): chr5:128,138,638, G>A. VCF-style: chr5-128138638-G-A. GRCh37 (hg19) VCF-style: chr5-127474330-G-A.
Other names: c.1450G>A, p.Glu484Lys (NM_001256461.2); short protein forms E484K.
Identifiers: ClinVar variation 3893524 (VCV003893524.2).
Genomic context (GRCh38, chr5:128,138,638, plus strand): 5'-AATATTTTGTTCTCTGCAGCTGAAATATTTAATGAGAACTTTGGGCCCGATTTTCGAGAG[G>A]AAGAGACTTTCTTTTCTGTATTTGCCATCTTTTTTCCTGCTGCAACTGGTATTCTGGCTG-3'
Protein context (NP_001037.1, residues 474-494): NENFGPDFRE[Glu484Lys]ETFFSVFAIF

ClinVar aggregate classification (germline): Uncertain significance (1 of 4 stars; one submission).

gnomAD v4.1: 6 of 1,613,194 alleles (0.00037%); highest among the groups gnomAD compares: Non-Finnish European, 0.00051%; no homozygotes.

Submission:

GeneDx
Classification: Uncertain significance. Last evaluated: 2026-02-25. Review status: criteria provided, single submitter. Criteria: GeneDx Variant Classification Process June 2021. Collection method: clinical testing. Allele origin: germline.
Comment: Not observed at significant frequency in large population cohorts (gnomAD); In silico analysis suggests that this missense variant does not alter protein structure/function; Has not been previously published as pathogenic or benign to our knowledge